The following is an entry in ClinVar:

NM_000088.4(COL1A1):c.736C>T (p.Pro246Ser)

Genes: COL1A1 (collagen type I alpha 1 chain; minus strand), LOC126862586 (CDK7 strongly-dependent group 2 enhancer GRCh37_chr17:48273702-48274901; plus strand). Cytogenetic location: 17q21.33.
Variant type: single nucleotide variant.
Coding change: c.736C>T on transcript NM_000088.4 (MANE Select); coding-DNA position 736, C replaced by T.
Protein change: p.Pro246Ser; replaces proline 246 with serine.
Molecular consequence: missense variant.
Genome position (GRCh38, 1-based): chr17:50,197,194, G>A on the plus strand (C>T on the coding strand, the complement: COL1A1 is on the minus strand). VCF-style: chr17-50197194-G-A. GRCh37 (hg19) VCF-style: chr17-48274555-G-A.
Other names: short protein forms P246S.
Identifiers: ClinVar variation 5034703 (VCV005034703.1).

ClinVar aggregate classification (germline): Uncertain significance (1 of 4 stars; one submission).

Conditions:
Cardiovascular phenotype. Identifiers: MedGen CN230736.

gnomAD v4.1: 1 of 1,613,570 alleles (0.000062%); highest among the groups gnomAD compares: South Asian, 0.0011%; no homozygotes.

Submission:

Ambry Genetics
Classification: Uncertain significance for Cardiovascular phenotype. Last evaluated: 2026-08-08. Review status: criteria provided, single submitter. Criteria: Ambry Variant Classification Scheme 2023. Collection method: clinical testing. Allele origin: germline.
Comment: The p.P246S variant (also known as c.736C>T), located in coding exon 10 of the COL1A1 gene, results from a C to T substitution at nucleotide position 736. The proline at codon 246 is replaced by serine, an amino acid with similar properties. This amino acid position is conserved. In addition, the in silico prediction for this alteration is inconclusive. Based on the available evidence, the clinical significance of this variant remains unclear.